The following is an entry in ClinVar:

NM_002834.5(PTPN11):c.757A>G (p.Thr253Ala)

Gene: PTPN11 (protein tyrosine phosphatase non-receptor type 11; plus strand). Cytogenetic location: 12q24.13.
Variant type: single nucleotide variant.
Coding change: c.757A>G on transcript NM_002834.5 (MANE Select); coding-DNA position 757, A replaced by G.
Protein change: p.Thr253Ala; replaces threonine 253 with alanine.
Molecular consequence: missense variant.
Genome position (GRCh38, 1-based): chr12:112,472,944, A>G. VCF-style: chr12-112472944-A-G. GRCh37 (hg19) VCF-style: chr12-112910748-A-G.
Other names: c.757A>G, p.Thr253Ala (NM_001330437.2, NM_080601.3); c.754A>G, p.Thr252Ala (NM_001374625.1); short protein forms T253A, T252A.
Identifiers: ClinVar variation 3940382 (VCV003940382.1).

ClinVar aggregate classification (germline): Uncertain significance (1 of 4 stars; one submission).

Conditions:
Cardiovascular phenotype. Identifiers: MedGen CN230736.

gnomAD v4.1: 1 of 1,608,994 alleles (0.000062%); highest among the groups gnomAD compares: South Asian, 0.0011%; no homozygotes.

Submission:

Ambry Genetics
Classification: Uncertain significance for Cardiovascular phenotype. Last evaluated: 2025-06-08. Review status: criteria provided, single submitter. Criteria: Ambry Variant Classification Scheme 2023. Collection method: clinical testing. Allele origin: germline.
Comment: The p.T253A variant (also known as c.757A>G) is located in coding exon 7 of the PTPN11 gene. The threonine at codon 253 is replaced by alanine, an amino acid with similar properties. This change occurs in the first base pair of coding exon 7. This amino acid position is conserved. In addition, the in silico prediction for this alteration is inconclusive. Based on the available evidence, the clinical significance of this variant remains unclear.